The following is an entry in ClinVar:

NM_000465.4(BARD1):c.976A>T (p.Asn326Tyr)

Gene: BARD1 (BRCA1 associated RING domain 1; minus strand). Cytogenetic location: 2q35.
Variant type: single nucleotide variant.
Coding change: c.976A>T on transcript NM_000465.4 (MANE Select); coding-DNA position 976, A replaced by T.
Protein change: p.Asn326Tyr; replaces asparagine 326 with tyrosine.
Molecular consequence: missense variant. On other transcripts: non-coding transcript variant (2), intron variant (3).
Genome position (GRCh38, 1-based): chr2:214,780,898, T>A on the plus strand (A>T on the coding strand, the complement: BARD1 is on the minus strand). VCF-style: chr2-214780898-T-A. GRCh37 (hg19) VCF-style: chr2-215645622-T-A.
Other names: c.919A>T, p.Asn307Tyr (NM_001282543.2); c.159-28343A>T (NM_001282548.2); c.215+16163A>T (NM_001282545.2); c.364+11399A>T (NM_001282549.2); short protein forms N326Y, N307Y.
Identifiers: ClinVar variation 233704 (VCV000233704.24), dbSNP rs587780038, ClinGen allele CA10577826.

ClinVar aggregate classification (germline): Uncertain significance. Review status: criteria provided, multiple submitters, no conflicts (2 of 4 stars). 6 submissions from 6 submitters: Uncertain significance (6). Last evaluated 2025-10-21.

Conditions:
Hereditary cancer-predisposing syndrome. Also called: Neoplastic Syndromes, Hereditary; Tumor predisposition; Hereditary Cancer Syndrome; Hereditary neoplastic syndrome. Identifiers: Orphanet 140162, MedGen C0027672, MeSH D009386, MONDO:0015356.
Familial cancer of breast. Also called: BREAST CANCER, FAMILIAL; hereditary breast carcinoma; Hereditary breast cancer. Identifiers: Orphanet 227535, MedGen C0346153, MONDO:0016419, OMIM 114480. Disease mechanism: loss of function.

Allele frequency attached by ClinVar (database versions not stated): TOPMed 0.00001.

Submissions (6):

Labcorp Genetics (formerly Invitae), Labcorp
Classification: Uncertain significance for Familial cancer of breast. Last evaluated: 2025-10-21. Review status: criteria provided, single submitter. Criteria: Invitae Variant Classification Sherloc (09022015). Collection method: clinical testing. Allele origin: germline.
Comment: This sequence change replaces asparagine, which is neutral and polar, with tyrosine, which is neutral and polar, at codon 326 of the BARD1 protein (p.Asn326Tyr). This variant is not present in population databases (gnomAD no frequency). This variant has not been reported in the literature in individuals affected with BARD1-related conditions. ClinVar contains an entry for this variant (Variation ID: 233704). An algorithm developed to predict the effect of missense changes on protein structure and function (PolyPhen-2) suggests that this variant is likely to be tolerated. In summary, the available evidence is currently insufficient to determine the role of this variant in disease. Therefore, it has been classified as a Variant of Uncertain Significance.

Ambry Genetics
Classification: Uncertain significance for Hereditary cancer-predisposing syndrome. Last evaluated: 2025-08-09. Review status: criteria provided, single submitter. Criteria: Ambry Variant Classification Scheme 2023. Collection method: clinical testing. Allele origin: germline.
Comment: The p.N326Y variant (also known as c.976A>T), located in coding exon 4 of the BARD1 gene, results from an A to T substitution at nucleotide position 976. The asparagine at codon 326 is replaced by tyrosine, an amino acid with dissimilar properties. This amino acid position is poorly conserved in available vertebrate species. In addition, this alteration is predicted to be tolerated by in silico analysis. Since supporting evidence is limited at this time, the clinical significance of this alteration remains unclear.

Baylor Genetics
Classification: Uncertain significance for Familial cancer of breast. Last evaluated: 2024-02-05. Review status: criteria provided, single submitter. Criteria: ACMG Guidelines, 2015. Collection method: clinical testing. Allele origin: unknown.

Color Diagnostics, LLC DBA Color Health
Classification: Uncertain significance for Hereditary cancer-predisposing syndrome. Last evaluated: 2023-12-05. Review status: criteria provided, single submitter. Criteria: ACMG Guidelines, 2015. Collection method: clinical testing. Allele origin: germline.
Comment: This missense variant replaces asparagine with tyrosine at codon 326 of the BARD1 protein. Computational prediction suggests that this variant may not impact protein structure and function (internally defined REVEL score threshold <= 0.5, PMID: 27666373). To our knowledge, functional studies have not been reported for this variant. This variant has not been reported in individuals affected with BARD1-related disorders in the literature. This variant has not been identified in the general population by the Genome Aggregation Database (gnomAD). The available evidence is insufficient to determine the role of this variant in disease conclusively. Therefore, this variant is classified as a Variant of Uncertain Significance.

GeneDx
Classification: Uncertain significance. Last evaluated: 2023-09-19. Review status: criteria provided, single submitter. Criteria: GeneDx Variant Classification Process June 2021. Collection method: clinical testing. Allele origin: germline. Affected: yes.
Comment: Not observed at significant frequency in large population cohorts (gnomAD); In silico analysis supports that this missense variant does not alter protein structure/function; Has not been previously published as pathogenic or benign to our knowledge

Sema4
Classification: Uncertain significance for Hereditary cancer-predisposing syndrome. Last evaluated: 2021-07-28. Review status: criteria provided, single submitter. Criteria: Sema4 Curation Guidelines. Collection method: curation. Allele origin: germline.
Comment: The BARD1 c.976A>T (p.N326Y) variant has not been reported in the literature to our knowledge. It was not observed in the large and broad cohorts of the Genome Aggregation Database (PMID: 32461654). The variant has been reported in ClinVar (Variation ID 233704). Functional studies have not been performed and in silico tool predictions of the variant's effect on protein function are inconclusive. The evidence is insufficient to meet ACMG/AMP criteria for classifying the variant as benign or pathogenic. Thus, the clinical significance of this variant is currently uncertain.